The following is an entry in ClinVar:

ClinVar aggregate classification (germline): Uncertain significance (1 of 4 stars; one submission).

Allele frequency attached by ClinVar (database versions not stated): ExAC 0.00001; gnomAD exomes 0.00001 and 0.00002; TOPMed 0.00001; gnomAD 0.00002.
gnomAD v4.1: 12 of 1,613,974 alleles (0.00074%); highest among the groups gnomAD compares: South Asian, 0.0055%; no homozygotes.

Submission:

Labcorp Genetics (formerly Invitae), Labcorp
Classification: Uncertain significance. Last evaluated: 2025-08-21. Review status: criteria provided, single submitter. Criteria: Invitae Variant Classification Sherloc (09022015). Collection method: clinical testing. Allele origin: germline.
Comment: This sequence change replaces valine, which is neutral and non-polar, with isoleucine, which is neutral and non-polar, at codon 661 of the MTOR protein (p.Val661Ile). This variant is present in population databases (rs780622659, gnomAD 0.01%). This variant has not been reported in the literature in individuals affected with MTOR-related conditions. ClinVar contains an entry for this variant (Variation ID: 1439091). Invitae Evidence Modeling of protein sequence and biophysical properties (such as structural, functional, and spatial information, amino acid conservation, physicochemical variation, residue mobility, and thermodynamic stability) indicates that this missense variant is not expected to disrupt MTOR protein function with a negative predictive value of 95%. In summary, the available evidence is currently insufficient to determine the role of this variant in disease. Therefore, it has been classified as a Variant of Uncertain Significance.

NM_004958.4(MTOR):c.1981G>A (p.Val661Ile)

Gene: MTOR (mechanistic target of rapamycin kinase; minus strand). Cytogenetic location: 1p36.22.
Variant type: single nucleotide variant.
Coding change: c.1981G>A on transcript NM_004958.4 (MANE Select); coding-DNA position 1981, G replaced by A.
Protein change: p.Val661Ile; replaces valine 661 with isoleucine.
Molecular consequence: missense variant.
Genome position (GRCh38, 1-based): chr1:11,238,423, C>T on the plus strand (G>A on the coding strand, the complement: MTOR is on the minus strand). VCF-style: chr1-11238423-C-T. GRCh37 (hg19) VCF-style: chr1-11298480-C-T.
Other names: c.1981G>A, p.Val661Ile (NM_001386500.1); c.733G>A, p.Val245Ile (NM_001386501.1); short protein forms V245I, V661I.
Identifiers: ClinVar variation 1439091 (VCV001439091.8), dbSNP rs780622659, ClinGen allele CA590603.
Genomic context (GRCh38, chr1:11,238,423, plus strand): 5'-CTTAACTCCCCTAGATTCCTTCTGTCTGGCAAGCCTTACCAGGATCTGTTATCCCAACTA[C>T]GAGCAGTTTGCTAAGCACATCTGCCACCACTTGCACTGCGGTCTGGCTAACCACATGAGC-3'
Protein context (NP_004949.1, residues 651-671): VVADVLSKLL[Val661Ile]VGITDPDPDI